The following is an entry in ClinVar:

NM_019066.5(MAGEL2):c.1375C>T (p.Arg459Cys)

Gene: MAGEL2 (MAGE family member L2; minus strand). Cytogenetic location: 15q11.2.
Variant type: single nucleotide variant.
Coding change: c.1375C>T on transcript NM_019066.5 (MANE Select); coding-DNA position 1375, C replaced by T.
Protein change: p.Arg459Cys; replaces arginine 459 with cysteine.
Molecular consequence: missense variant.
Genome position (GRCh38, 1-based): chr15:23,646,368, G>A on the plus strand (C>T on the coding strand, the complement: MAGEL2 is on the minus strand). VCF-style: chr15-23646368-G-A. GRCh37 (hg19) VCF-style: chr15-23891515-G-A.
Other names: short protein forms R459C.
Identifiers: ClinVar variation 2635626 (VCV002635626.6), dbSNP rs1260799246, ClinGen allele CA391334242.
Genomic context (GRCh38, chr15:23,646,368, plus strand): 5'-TCACAGGTGGGGCCTGGCGGATCACAGGTGGGGCCTGGCGGATCACAGCGGGGGCCTGGC[G>A]GATCACGGGTGGGGCCTGGCGGATCACGGGTGGGGCCTGGCGGATCACCGGTGGGGCCTG-3'
Protein context (NP_061939.3, residues 449-469): PVIRQAPPVI[Arg459Cys]QAPAVIRQAP

ClinVar aggregate classification (germline): Uncertain significance. Review status: criteria provided, multiple submitters, no conflicts (2 of 4 stars). 3 submissions from 3 submitters: Uncertain significance (3). Last evaluated 2026-05-27.

Conditions:
MAGEL2-related disorder. Also called: MAGEL2-related condition.
Inborn genetic diseases. Identifiers: MedGen C0950123, MeSH D030342.

Allele frequency attached by ClinVar (database versions not stated): gnomAD 0.00005; gnomAD exomes 0.00010.

Submissions (3):

PreventionGenetics, part of Exact Sciences
Classification: Uncertain significance for MAGEL2-related condition. Last evaluated: 2026-05-27. Review status: criteria provided, single submitter. Criteria: ACMG Guidelines, 2015. Collection method: clinical testing. Allele origin: germline.
Comment: The MAGEL2 c.1375C>T variant is predicted to result in the amino acid substitution p.Arg459Cys. To our knowledge, this variant has not been reported in the literature. This variant is reported in 0.012% of alleles in individuals of European (Non-Finnish) descent in gnomAD. At this time, the clinical significance of this variant is uncertain due to the absence of conclusive functional and genetic evidence.

Labcorp Genetics (formerly Invitae), Labcorp
Classification: Uncertain significance. Last evaluated: 2025-05-10. Review status: criteria provided, single submitter. Criteria: Invitae Variant Classification Sherloc (09022015). Collection method: clinical testing. Allele origin: germline.
Comment: This sequence change replaces arginine, which is basic and polar, with cysteine, which is neutral and slightly polar, at codon 459 of the MAGEL2 protein (p.Arg459Cys). This variant is present in population databases (no rsID available, gnomAD 0.01%). This variant has not been reported in the literature in individuals affected with MAGEL2-related conditions. ClinVar contains an entry for this variant (Variation ID: 2635626). Experimental studies and prediction algorithms are not available or were not evaluated, and the functional significance of this variant is currently unknown. In summary, the available evidence is currently insufficient to determine the role of this variant in disease. Therefore, it has been classified as a Variant of Uncertain Significance.

Ambry Genetics
Classification: Uncertain significance for Inborn genetic diseases. Last evaluated: 2024-08-12. Review status: criteria provided, single submitter. Criteria: Ambry Variant Classification Scheme 2023. Collection method: clinical testing. Allele origin: germline.